The following is an entry in ClinVar:

ClinVar aggregate classification (germline): Uncertain significance. Review status: criteria provided, single submitter (1 of 4 stars). 2 submissions from 2 submitters: Uncertain significance (1). 1 of the submissions does not count toward it. Last evaluated 2025-11-02.

Conditions:
ESRP2-related disorder. Also called: ESRP2-related condition.

Allele frequency attached by ClinVar (database versions not stated): ExAC 0.00061; 1000 Genomes Project 0.00120; gnomAD 0.00182; 1000 Genomes Project 30x 0.00125; ESP Exome Variant Server 0.00262; TOPMed 0.00211.
gnomAD v4.1: 573 of 1,613,980 alleles (0.036%); highest among the groups gnomAD compares: African/African-American, 0.64%; 6 homozygotes.

Submissions (2):

Ambry Genetics
Classification: Uncertain significance. Last evaluated: 2025-11-02. Review status: criteria provided, single submitter. Criteria: Ambry Variant Classification Scheme 2023. Collection method: clinical testing. Allele origin: germline.

PreventionGenetics, part of Exact Sciences
Classification: Likely benign for ESRP2-related condition. Last evaluated: 2019-09-18. Review status: no assertion criteria provided. Collection method: clinical testing. Allele origin: germline. Not counted in ClinVar's aggregate classification.
Comment: This variant is classified as likely benign based on ACMG/AMP sequence variant interpretation guidelines (Richards et al. 2015 PMID: 25741868, with internal and published modifications).

NM_024939.3(ESRP2):c.1849C>T (p.Pro617Ser)

Gene: ESRP2 (epithelial splicing regulatory protein 2; minus strand). Cytogenetic location: 16q22.1.
Variant type: single nucleotide variant.
Coding change: c.1849C>T on transcript NM_024939.3 (MANE Select); coding-DNA position 1849, C replaced by T.
Protein change: p.Pro617Ser; replaces proline 617 with serine.
Molecular consequence: missense variant.
Genome position (GRCh38, 1-based): chr16:68,230,890, G>A on the plus strand (C>T on the coding strand, the complement: ESRP2 is on the minus strand). VCF-style: chr16-68230890-G-A. GRCh37 (hg19) VCF-style: chr16-68264793-G-A.
Other names: c.1849C>T (NM_024939.2); c.1879C>T, p.Pro627Ser (NM_001365264.1); c.1849C>T, p.Pro617Ser (NM_001365265.1); short protein forms P617S, P627S.
Identifiers: ClinVar variation 3040650 (VCV003040650.3), dbSNP rs36054935, ClinGen allele CA8125138.